The following is an entry in ClinVar:

ClinVar aggregate classification (germline): Conflicting classifications of pathogenicity. Review status: criteria provided, conflicting classifications (1 of 4 stars). 7 submissions from 7 submitters: Uncertain significance (1); Likely benign (4). 2 of the submissions do not count toward it. Last evaluated 2026-08-01.

Conditions:
FRAS1-related disorder. Also called: FRAS1-related condition.
Fraser syndrome 1 (FRASRS1). Also called: CRYPTOPHTHALMOS WITH OTHER MALFORMATIONS. Identifiers: Orphanet 2052, MedGen C4551480, MONDO:0054737, OMIM 219000.

Allele frequency attached by ClinVar (database versions not stated): gnomAD exomes 0.00077 and 0.00150; ExAC 0.00141; gnomAD 0.00168 and 0.00170; TOPMed 0.00219; ESP Exome Variant Server 0.00228; 1000 Genomes Project 0.00260; 1000 Genomes Project 30x 0.00281.
gnomAD v4.1: 1,450 of 1,613,108 alleles (0.09%); highest among the groups gnomAD compares: Middle Eastern, 0.45%; 5 homozygotes.

Submissions (7):

CeGaT Center for Human Genetics Tuebingen
Classification: Likely benign. Last evaluated: 2026-08-01. Review status: criteria provided, single submitter. Criteria: CeGaT Center For Human Genetics Tuebingen Variant Classification Criteria Version 2. Collection method: clinical testing. Allele origin: germline. Affected: yes. Observed: 3 variant alleles.
Comment: FRAS1: BP4, BS2

Labcorp Genetics (formerly Invitae), Labcorp
Classification: Likely benign. Last evaluated: 2026-01-28. Review status: criteria provided, single submitter. Criteria: Invitae Variant Classification Sherloc (09022015). Collection method: clinical testing. Allele origin: germline.

Blueprint Genetics
Classification: Likely benign. Last evaluated: 2024-11-25. Review status: criteria provided, single submitter. Criteria: ACMG Guidelines, 2015. Collection method: clinical testing. Allele origin: germline.

GeneDx
Classification: Uncertain significance. Last evaluated: 2020-10-08. Review status: criteria provided, single submitter. Criteria: GeneDx Variant Classification Process June 2021. Collection method: clinical testing. Allele origin: germline. Affected: yes.
Comment: In silico analysis, which includes protein predictors and evolutionary conservation, supports a deleterious effect; Identified in an individual with congenital anomalies of the kidney and urinary tract who had an additional variant of uncertain significance on the opposite allele (in trans) (Kohl et al., 2014); This variant is associated with the following publications: (PMID: 24700879)

Illumina Laboratory Services, Illumina
Classification: Likely benign for Fraser syndrome 1. Last evaluated: 2018-01-13. Review status: criteria provided, single submitter. Criteria: ICSL Variant Classification Criteria 13 December 2019. Collection method: clinical testing. Allele origin: germline.
Comment: This variant was observed in the ICSL laboratory as part of a predisposition screen in an ostensibly healthy population. It had not been previously curated by ICSL or reported in the Human Gene Mutation Database (HGMD: prior to June 1st, 2018), and was therefore a candidate for classification through an automated scoring system. Utilizing variant allele frequency, disease prevalence and penetrance estimates, and inheritance mode, an automated score was calculated to assess if this variant is too frequent to cause the disease. Based on the score and internal cut-off values, a variant classified as likely benign is not then subjected to further curation. The score for this variant resulted in a classification of likely benign for this disease.

PreventionGenetics, part of Exact Sciences
Classification: Likely benign for FRAS1-related condition. Last evaluated: 2021-05-11. Review status: no assertion criteria provided. Collection method: clinical testing. Allele origin: germline. Not counted in ClinVar's aggregate classification.
Comment: This variant is classified as likely benign based on ACMG/AMP sequence variant interpretation guidelines (Richards et al. 2015 PMID: 25741868, with internal and published modifications).

Service de Biochimie Médicale et Biologie Moléculaire, CHU Clermont-Ferrand
Classification: Uncertain significance for Fraser syndrome 1. Last evaluated: 2018-09-14. Review status: no assertion criteria provided. Criteria: ACMG Guidelines, 2015. Collection method: clinical testing. Allele origin: inherited. Inheritance: Autosomal recessive inheritance. Affected: yes. Not counted in ClinVar's aggregate classification.

NM_025074.7(FRAS1):c.7622A>G (p.Asn2541Ser)

Gene: FRAS1 (Fraser extracellular matrix complex subunit 1; plus strand). Cytogenetic location: 4q21.21.
Variant type: single nucleotide variant.
Coding change: c.7622A>G on transcript NM_025074.7 (MANE Select); coding-DNA position 7622, A replaced by G.
Protein change: p.Asn2541Ser; replaces asparagine 2541 with serine.
Molecular consequence: missense variant.
Genome position (GRCh38, 1-based): chr4:78,473,537, A>G. VCF-style: chr4-78473537-A-G. GRCh37 (hg19) VCF-style: chr4-79394691-A-G.
Other names: short protein forms N2541S.
Identifiers: ClinVar variation 349755 (VCV000349755.48), dbSNP rs144530996, ClinGen allele CA2978164.
Genomic context (GRCh38, chr4:78,473,537, plus strand): 5'-AGGAGAAGATCCGTGAGATGATGGATAGTTTTCAGTTTCTGGTGAAAGACAGTAAACCCA[A>G]TGTGGTCAGCGACAATGTCTTCCATATCCAGTGGTCACTCATCAGCTTTAAATATACCAG-3'
Protein context (NP_079350.5, residues 2531-2551): FQFLVKDSKP[Asn2541Ser]VVSDNVFHIQ